The following is an entry in ClinVar:

NM_001271.4(CHD2):c.5023T>C (p.Tyr1675His)

Gene: CHD2 (chromodomain helicase DNA binding protein 2; plus strand). Cytogenetic location: 15q26.1.
Variant type: single nucleotide variant.
Coding change: c.5023T>C on transcript NM_001271.4 (MANE Select); coding-DNA position 5023, T replaced by C.
Protein change: p.Tyr1675His; replaces tyrosine 1675 with histidine.
Molecular consequence: missense variant.
Genome position (GRCh38, 1-based): chr15:93,020,128, T>C. VCF-style: chr15-93020128-T-C. GRCh37 (hg19) VCF-style: chr15-93563358-T-C.
Other names: short protein forms Y1675H.
Identifiers: ClinVar variation 1744849 (VCV001744849.2), dbSNP rs2505642001, ClinGen allele CA393907741.

ClinVar aggregate classification (germline): Uncertain significance (1 of 4 stars; one submission).

Conditions:
Inborn genetic diseases. Identifiers: MedGen C0950123, MeSH D030342.

Allele frequency attached by ClinVar (database versions not stated): gnomAD exomes below 0.00001.
gnomAD v4.1: 1 of 1,613,910 alleles (0.000062%); highest among the groups gnomAD compares: Non-Finnish European, 0.000085%; no homozygotes.

Submission:

Ambry Genetics
Classification: Uncertain significance for Inborn genetic diseases. Last evaluated: 2019-09-04. Review status: criteria provided, single submitter. Criteria: Ambry Variant Classification Scheme 2023. Collection method: clinical testing. Allele origin: germline.
Comment: The p.Y1675H variant (also known as c.5023T>C), located in coding exon 37 of the CHD2 gene, results from a T to C substitution at nucleotide position 5023. The tyrosine at codon 1675 is replaced by histidine, an amino acid with similar properties. This amino acid position is highly conserved in available vertebrate species. In addition, this alteration is predicted to be deleterious by in silico analysis. Since supporting evidence is limited at this time, the clinical significance of this alteration remains unclear.